The following is an entry in ClinVar:

NM_001429.4(EP300):c.2998-13del

Genes: EP300 (EP300 lysine acetyltransferase; plus strand), LOC126863158 (BRD4-independent group 4 enhancer GRCh37_chr22:41547383-41548582; plus strand). Cytogenetic location: 22q13.2.
Variant type: Deletion.
Coding change: c.2998-13del on transcript NM_001429.4 (MANE Select); 13 bases into the intron before coding-DNA position 2998, one base deleted (C; older notation c.2998-13delC).
Molecular consequence: intron variant.
Genome position (GRCh38, 1-based): chr22:41,152,193, C deleted. VCF-style (leftmost placement, unchanged base first): chr22-41152192-AC-A. GRCh37 (hg19) VCF-style: chr22-41548196-AC-A.
Other names: c.2920-13del (NM_001362843.2); c.2998-13delC (NM_001429.3).
Identifiers: ClinVar variation 2052289 (VCV002052289.5), dbSNP rs766194427, ClinGen allele CA10253023.

ClinVar aggregate classification (germline): Uncertain significance. Review status: criteria provided, single submitter (1 of 4 stars). 2 submissions from 2 submitters: Uncertain significance (1). 1 of the submissions does not count toward it. Last evaluated 2025-10-24.

Conditions:
EP300-related disorder. Also called: EP300-related condition; EP300-related disorders.
Rubinstein-Taybi syndrome due to EP300 haploinsufficiency. Also called: EP300-Related Rubinstein-Taybi Syndrome; RUBINSTEIN-TAYBI SYNDROME 2. Identifiers: Orphanet 353284, Orphanet 783, MedGen C3150941, MONDO:0013364, OMIM 613684.

Allele frequency attached by ClinVar (database versions not stated): ExAC 0.00001; gnomAD exomes 0.00001; TOPMed 0.00001; gnomAD 0.00003.

Submissions (2):

Labcorp Genetics (formerly Invitae), Labcorp
Classification: Uncertain significance for Rubinstein-Taybi syndrome due to EP300 haploinsufficiency. Last evaluated: 2025-10-24. Review status: criteria provided, single submitter. Criteria: Invitae Variant Classification Sherloc (09022015). Collection method: clinical testing. Allele origin: germline.
Comment: This sequence change falls in intron 15 of the EP300 gene. It does not directly change the encoded amino acid sequence of the EP300 protein. This variant is present in population databases (rs766194427, gnomAD 0.006%). This variant has not been reported in the literature in individuals affected with EP300-related conditions. ClinVar contains an entry for this variant (Variation ID: 2052289). Algorithms developed to predict the effect of sequence changes on RNA splicing suggest that this variant may create or strengthen a splice site. In summary, the available evidence is currently insufficient to determine the role of this variant in disease. Therefore, it has been classified as a Variant of Uncertain Significance.

PreventionGenetics, part of Exact Sciences
Classification: Uncertain significance for EP300-related condition. Last evaluated: 2024-09-02. Review status: no assertion criteria provided. Collection method: clinical testing. Allele origin: germline. Not counted in ClinVar's aggregate classification.
Comment: The EP300 c.2998-13delC variant is predicted to result in an intronic deletion. This variant is predicted to alter splicing based on available splicing prediction programs (SpliceAI, Jaganathan et al. 2019. PubMed ID: 30661751). However, the use of computer prediction programs is not equivalent to functional evidence. To our knowledge, this variant has not been reported in the literature. This variant is reported in 0.0065% of alleles in individuals of South Asian descent in gnomAD. At this time, the clinical significance of this variant is uncertain due to the absence of conclusive functional and genetic evidence.